The following is an entry in ClinVar:

ClinVar aggregate classification (germline): Uncertain significance (1 of 4 stars; one submission).

Conditions:
Granulomatous disease, chronic, autosomal recessive, cytochrome b-positive, type 2. Also called: CGD, AUTOSOMAL RECESSIVE CYTOCHROME b-POSITIVE, TYPE II; GRANULOMATOUS DISEASE, CHRONIC, DUE TO NCF2 DEFICIENCY; Chronic granulomatous disease due to deficiency of NCF-2; Chronic Granulomatous Disease, Autosomal Recessive, Cytochrome b-Positive, Type II; GRANULOMATOUS DISEASE, CHRONIC, AUTOSOMAL RECESSIVE, 2. Identifiers: Orphanet 379, MedGen C1856245, MONDO:0009310, OMIM 233710.

gnomAD v4.1: 10 of 1,614,080 alleles (0.00062%); highest among the groups gnomAD compares: Non-Finnish European, 0.00076%; no homozygotes.

Submission:

Labcorp Genetics (formerly Invitae), Labcorp
Classification: Uncertain significance for Granulomatous disease, chronic, autosomal recessive, cytochrome b-positive, type 2. Last evaluated: 2021-11-19. Review status: criteria provided, single submitter. Criteria: Invitae Variant Classification Sherloc (09022015). Collection method: clinical testing. Allele origin: germline.
Comment: This sequence change replaces asparagine, which is neutral and polar, with lysine, which is basic and polar, at codon 428 of the NCF2 protein (p.Asn428Lys). This variant is present in population databases (rs745334269, gnomAD 0.0009%). This variant has not been reported in the literature in individuals affected with NCF2-related conditions. Algorithms developed to predict the effect of missense changes on protein structure and function (SIFT, PolyPhen-2, Align-GVGD) all suggest that this variant is likely to be tolerated. In summary, the available evidence is currently insufficient to determine the role of this variant in disease. Therefore, it has been classified as a Variant of Uncertain Significance.

NM_000433.4(NCF2):c.1284C>G (p.Asn428Lys)

Gene: NCF2 (neutrophil cytosolic factor 2; minus strand). Cytogenetic location: 1q25.3.
Variant type: single nucleotide variant.
Coding change: c.1284C>G on transcript NM_000433.4 (MANE Select); coding-DNA position 1284, C replaced by G.
Protein change: p.Asn428Lys; replaces asparagine 428 with lysine.
Molecular consequence: missense variant.
Genome position (GRCh38, 1-based): chr1:183,563,201, G>C on the plus strand (C>G on the coding strand, the complement: NCF2 is on the minus strand). VCF-style: chr1-183563201-G-C. GRCh37 (hg19) VCF-style: chr1-183532336-G-C.
Other names: c.1284C>G, p.Asn428Lys (NM_001127651.3); c.1041C>G, p.Asn347Lys (NM_001190789.2); c.1149C>G, p.Asn383Lys (NM_001190794.2); short protein forms N428K, N347K, N383K.
Identifiers: ClinVar variation 1418282 (VCV001418282.3), dbSNP rs745334269, ClinGen allele CA1284628.